The following is an entry in ClinVar:

ClinVar aggregate classification (germline): Uncertain significance (1 of 4 stars; one submission).

Conditions:
Tay-Sachs disease (TSD). Also called: HEXA DEFICIENCY; GM2 gangliosidosis, type 1; HEXA Disorders; Hexosaminidase alpha-subunit deficiency (variant B); Sphingolipidosis, Tay-Sachs; Hexosaminidase A Deficiency. Identifiers: Orphanet 845, MedGen C0039373, MONDO:0010100, OMIM 272800.

Submission:

Labcorp Genetics (formerly Invitae), Labcorp
Classification: Uncertain significance for Tay-Sachs disease. Last evaluated: 2022-02-18. Review status: criteria provided, single submitter. Criteria: Invitae Variant Classification Sherloc (09022015). Collection method: clinical testing. Allele origin: germline.
Comment: This sequence change replaces proline, which is neutral and non-polar, with alanine, which is neutral and non-polar, at codon 333 of the HEXA protein (p.Pro333Ala). This variant is not present in population databases (gnomAD no frequency). This variant has not been reported in the literature in individuals affected with HEXA-related conditions. Algorithms developed to predict the effect of missense changes on protein structure and function are either unavailable or do not agree on the potential impact of this missense change (SIFT: "Tolerated"; PolyPhen-2: "Possibly Damaging"; Align-GVGD: "Class C0"). In summary, the available evidence is currently insufficient to determine the role of this variant in disease. Therefore, it has been classified as a Variant of Uncertain Significance.

NM_000520.6(HEXA):c.997C>G (p.Pro333Ala)

Gene: HEXA (hexosaminidase subunit alpha; minus strand). Cytogenetic location: 15q23.
Variant type: single nucleotide variant.
Coding change: c.997C>G on transcript NM_000520.6 (MANE Select); coding-DNA position 997, C replaced by G.
Protein change: p.Pro333Ala; replaces proline 333 with alanine.
Molecular consequence: missense variant. On other transcripts: non-coding transcript variant (1).
Genome position (GRCh38, 1-based): chr15:72,348,124, G>C on the plus strand (C>G on the coding strand, the complement: HEXA is on the minus strand). VCF-style: chr15-72348124-G-C. GRCh37 (hg19) VCF-style: chr15-72640465-G-C.
Other names: c.1030C>G, p.Pro344Ala (NM_001318825.2); short protein forms P333A, P344A.
Identifiers: ClinVar variation 2094334 (VCV002094334.1), dbSNP rs2542520587, ClinGen allele CA393061999.